The following is an entry in ClinVar:

NM_001303052.2(MYT1L):c.3081-2A>G

Gene: MYT1L (myelin transcription factor 1 like; minus strand). Cytogenetic location: 2p25.3.
Variant type: single nucleotide variant.
Coding change: c.3081-2A>G on transcript NM_001303052.2 (MANE Select); the canonical splice acceptor site of the intron before coding-DNA position 3081, A replaced by G.
Molecular consequence: splice acceptor variant.
Genome position (GRCh38, 1-based): chr2:1,809,169, T>C on the plus strand (A>G on the coding strand, the complement: MYT1L is on the minus strand). VCF-style: chr2-1809169-T-C. GRCh37 (hg19) VCF-style: chr2-1812941-T-C.
Other names: c.3075-2A>G (NM_015025.4, NM_001329847.2, NM_001329848.1 and 3 more transcripts); c.3081-2A>G (NM_001329844.2, NM_001329845.1, NM_001329851.3).
Identifiers: ClinVar variation 489227 (VCV000489227.2), dbSNP rs1553395132, ClinGen allele CA345736122.

ClinVar aggregate classification (germline): Likely pathogenic (1 of 4 stars; one submission).

Submission:

GeneDx
Classification: Likely pathogenic. Last evaluated: 2017-12-08. Review status: criteria provided, single submitter. Criteria: GeneDx Variant Classification (06012015). Collection method: clinical testing. Allele origin: germline. Affected: yes.
Comment: The c.3075-2A>G variant in the MYT1L gene has not been reported previously as a pathogenic variant nor as a benign variant, to our knowledge. This splice site variant destroys the canonical splice acceptor site in intron 21. It is predicted to cause abnormal gene splicing, either leading to an abnormal message that is subject to nonsense-mediated mRNA decay, or to an abnormal protein product if the message is used for protein translation. The c.3075-2A>G variant is not observed in large population cohorts (Lek et al., 2016). We interpret c.3075-2A>G as a likely pathogenic variant.